The following is an entry in ClinVar:

ClinVar aggregate classification (germline): Uncertain significance (1 of 4 stars; one submission).

Submission:

GeneDx
Classification: Uncertain significance. Last evaluated: 2019-08-08. Review status: criteria provided, single submitter. Criteria: GeneDx Variant Classification Process June 2021. Collection method: clinical testing. Allele origin: germline. Affected: yes.
Comment: Not observed in large population cohorts (Lek et al., 2016); In silico analysis, which includes protein predictors and evolutionary conservation, supports a deleterious effect; Has not been previously published as pathogenic or benign to our knowledge

NM_004958.4(MTOR):c.6205T>C (p.Ser2069Pro)

Gene: MTOR (mechanistic target of rapamycin kinase; minus strand). Cytogenetic location: 1p36.22.
Variant type: single nucleotide variant.
Coding change: c.6205T>C on transcript NM_004958.4 (MANE Select); coding-DNA position 6205, T replaced by C.
Protein change: p.Ser2069Pro; replaces serine 2069 with proline.
Molecular consequence: missense variant.
Genome position (GRCh38, 1-based): chr1:11,127,635, A>G on the plus strand (T>C on the coding strand, the complement: MTOR is on the minus strand). VCF-style: chr1-11127635-A-G. GRCh37 (hg19) VCF-style: chr1-11187692-A-G.
Other names: c.6205T>C, p.Ser2069Pro (NM_001386500.1); c.4957T>C, p.Ser1653Pro (NM_001386501.1); short protein forms S1653P, S2069P.
Identifiers: ClinVar variation 1307059 (VCV001307059.2), dbSNP rs2100406780, ClinGen allele CA338392874.